The following is an entry in ClinVar:

NM_001927.4(DES):c.892T>A (p.Ser298Thr)

Gene: DES (desmin; plus strand). Cytogenetic location: 2q35.
Variant type: single nucleotide variant.
Coding change: c.892T>A on transcript NM_001927.4 (MANE Select); coding-DNA position 892, T replaced by A.
Protein change: p.Ser298Thr; replaces serine 298 with threonine.
Molecular consequence: missense variant. On other transcripts: intron variant (1).
Genome position (GRCh38, 1-based): chr2:219,420,651, T>A. VCF-style: chr2-219420651-T-A. GRCh37 (hg19) VCF-style: chr2-220285373-T-A.
Other names: c.889T>A, p.Ser297Thr (NM_001382708.1); c.892T>A, p.Ser298Thr (NM_001382710.1, NM_001382711.1, NM_001382712.1); c.622T>A, p.Ser208Thr (NM_001382713.1); c.735+305T>A (NM_001382709.1); short protein forms S208T, S297T, S298T.
Identifiers: ClinVar variation 4794865 (VCV004794865.1).

ClinVar aggregate classification (germline): Uncertain significance (1 of 4 stars; one submission).

Conditions:
Desmin-related myofibrillar myopathy (MFM1). Also called: Desminopathy; Desmin related myopathy (former name); Desmin storage myopathy (former name); MYOFIBRILLAR MYOPATHY WITH ARRHYTHMOGENIC RIGHT VENTRICULAR CARDIOMYOPATHY; DESMIN-RELATED MYOPATHY WITH ARRHYTHMOGENIC RIGHT VENTRICULAR CARDIOMYOPATHY; Myofibrillar myopathy 1. Identifiers: Orphanet 363543, Orphanet 98909, MedGen C1832370, MONDO:0011076, OMIM 601419.

Submission:

Labcorp Genetics (formerly Invitae), Labcorp
Classification: Uncertain significance for Desmin-related myofibrillar myopathy. Last evaluated: 2025-07-22. Review status: criteria provided, single submitter. Criteria: Invitae Variant Classification Sherloc (09022015). Collection method: clinical testing. Allele origin: germline.
Comment: This sequence change replaces serine, which is neutral and polar, with threonine, which is neutral and polar, at codon 298 of the DES protein (p.Ser298Thr). This variant is not present in population databases (gnomAD no frequency). This variant has not been reported in the literature in individuals affected with DES-related conditions. Invitae Evidence Modeling of protein sequence and biophysical properties (such as structural, functional, and spatial information, amino acid conservation, physicochemical variation, residue mobility, and thermodynamic stability) has been performed for this missense variant. However, the output from this modeling did not meet the statistical confidence thresholds required to predict the impact of this variant on DES protein function. In summary, the available evidence is currently insufficient to determine the role of this variant in disease. Therefore, it has been classified as a Variant of Uncertain Significance.